The following is an entry in ClinVar:

ClinVar aggregate classification (germline): Uncertain significance. Review status: criteria provided, multiple submitters, no conflicts (2 of 4 stars). 2 submissions from 2 submitters: Uncertain significance (2). Last evaluated 2023-07-12.

Conditions:
Congenital multicore myopathy with external ophthalmoplegia (CMYO1B). Also called: Minicore myopathy with external ophthalmoplegia; Congenital myopathy 1B, autosomal recessive; Minicore myopathy; MULTICORE MYOPATHY; MULTIMINICORE DISEASE WITH EXTERNAL OPHTHALMOPLEGIA. Identifiers: Orphanet 598, Orphanet 98905, MedGen C1850674, MONDO:0009712, OMIM 255320, HP:0003789.
Congenital myopathy with fiber type disproportion. Also called: Congenital fiber-type disproportion myopathy; Congenital fiber-type disproportion. Identifiers: Orphanet 2020, MedGen C0546264, MONDO:0009711. Inheritance: all.
Central core myopathy (CMYO1A). Also called: Central core disease; Myopathy, central fibrillar; CONGENITAL MYOPATHY 1A, AUTOSOMAL DOMINANT, WITH SUSCEPTIBILITY TO MALIGNANT HYPERTHERMIA. Identifiers: Orphanet 597, MedGen C5830701, MONDO:0007294, OMIM 117000.
King Denborough syndrome (KDS). Identifiers: MedGen C1840365, MONDO:0020485, OMIM 619542.
Malignant hyperthermia, susceptibility to, 1 (MHS1). Also called: RYR1-Related Malignant Hyperthermia Susceptibility; Anesthesia related hyperthermia; Malignant hyperpyrexia; Fulminating hyperpyrexia; Pharmacogenic myopathy; Malignant hyperthermia suceptibility 1. Identifiers: Orphanet 423, MedGen C2930980, MONDO:0007783, OMIM 145600.
RYR1-related disorder. Also called: RYR1-related disorders; RYR1-related condition. Identifiers: MedGen CN239331.

Allele frequency attached by ClinVar (database versions not stated): gnomAD 0.00001.
gnomAD v4.1: 2 of 1,613,900 alleles (0.00012%); highest among the groups gnomAD compares: Non-Finnish European, 0.00017%; no homozygotes.

Submissions (2):

Labcorp Genetics (formerly Invitae), Labcorp
Classification: Uncertain significance for RYR1-related disorder. Last evaluated: 2023-07-12. Review status: criteria provided, single submitter. Criteria: Invitae Variant Classification Sherloc (09022015). Collection method: clinical testing. Allele origin: germline.
Comment: This variant is present in population databases (no rsID available, gnomAD 0.002%). This sequence change replaces threonine, which is neutral and polar, with alanine, which is neutral and non-polar, at codon 1545 of the RYR1 protein (p.Thr1545Ala). This variant has not been reported in the literature in individuals affected with RYR1-related conditions. In summary, the available evidence is currently insufficient to determine the role of this variant in disease. Therefore, it has been classified as a Variant of Uncertain Significance. Advanced modeling of protein sequence and biophysical properties (such as structural, functional, and spatial information, amino acid conservation, physicochemical variation, residue mobility, and thermodynamic stability) performed at Invitae indicates that this missense variant is not expected to disrupt RYR1 protein function. ClinVar contains an entry for this variant (Variation ID: 1384442).

Fulgent Genetics
Classification: Uncertain significance for Central core myopathy; Malignant hyperthermia, susceptibility to, 1; Congenital myopathy 4A, autosomal dominant; Congenital multicore myopathy with external ophthalmoplegia; King Denborough syndrome. Last evaluated: 2021-08-18. Review status: criteria provided, single submitter. Criteria: ACMG Guidelines, 2015. Collection method: clinical testing. Allele origin: unknown.

NM_000540.3(RYR1):c.4633A>G (p.Thr1545Ala)

Gene: RYR1 (ryanodine receptor 1; plus strand). Cytogenetic location: 19q13.2.
Variant type: single nucleotide variant.
Coding change: c.4633A>G on transcript NM_000540.3 (MANE Select); coding-DNA position 4633, A replaced by G.
Protein change: p.Thr1545Ala; replaces threonine 1545 with alanine.
Molecular consequence: missense variant.
Genome position (GRCh38, 1-based): chr19:38,483,039, A>G. VCF-style: chr19-38483039-A-G. GRCh37 (hg19) VCF-style: chr19-38973679-A-G.
Other names: c.4633A>G, p.Thr1545Ala (NM_001042723.2); short protein forms T1545A.
Identifiers: ClinVar variation 1384442 (VCV001384442.7), dbSNP rs1386118815, ClinGen allele CA405649320.